The following is an entry in ClinVar:

ClinVar aggregate classification (germline): Pathogenic/Likely pathogenic. Review status: criteria provided, multiple submitters, no conflicts (2 of 4 stars). 6 submissions from 6 submitters: Pathogenic (3); Likely pathogenic (1). 2 of the submissions do not count toward it. Last evaluated 2025-06-10.

Conditions:
POU1F1-related disorder. Also called: POU1F1-related condition.
Combined pituitary hormone deficiencies, genetic form. Also called: Pituitary hormone deficiency, combined. Identifiers: Orphanet 95494, MedGen C4273747, MONDO:0013099.
Pituitary hormone deficiency, combined, 1 (CPHD1). Also called: Pituitary hormone deficiency, combined or isolated, 1. Identifiers: MedGen C2751608, MONDO:0024464, OMIM 613038.

Allele frequency attached by ClinVar (database versions not stated): TOPMed below 0.00001; gnomAD 0.00001; gnomAD exomes 0.00001 and 0.00002; ExAC 0.00003.

Submissions (6):

Women's Health and Genetics/Laboratory Corporation of America, LabCorp
Classification: Pathogenic for Combined pituitary hormone deficiencies, genetic form. Last evaluated: 2025-06-10. Review status: criteria provided, single submitter. Criteria: LabCorp Variant Classification Summary - May 2015. Collection method: clinical testing. Allele origin: germline.
Comment: Variant summary: POU1F1 c.688G>A (p.Glu230Lys) results in a conservative amino acid change in the encoded protein sequence. Algorithms developed to predict the effect of missense changes on protein structure and function are either unavailable or do not agree on the potential impact of this missense change. The variant allele was found at a frequency of 2.4e-05 in 250200 control chromosomes (gnomAD). c.688G>A has been observed in multiple individuals affected with Combined Pituitary Hormone Deficiency (e.g., Gat-Yablonski_2002, Al-Kasbi_2022). These data indicate that the variant is very likely to be associated with disease. The following publications have been ascertained in the context of this evaluation (PMID: 11924936, 36344539). ClinVar contains an entry for this variant (Variation ID: 13613). Based on the evidence outlined above, the variant was classified as pathogenic.

GeneDx
Classification: Likely pathogenic. Last evaluated: 2023-07-27. Review status: criteria provided, single submitter. Criteria: GeneDx Variant Classification Process June 2021. Collection method: clinical testing. Allele origin: germline. Affected: yes.
Comment: In silico analysis supports that this missense variant has a deleterious effect on protein structure/function; Published functional studies demonstrate a damaging effect on transcription activation (Liang et al., 1995; Turton et al., 2005); This variant is associated with the following publications: (PMID: 19837867, 36344539, 31702014, 34815942, 20852587, 15928241, 7592721, 11924936, 33742319)

Labcorp Genetics (formerly Invitae), Labcorp
Classification: Pathogenic. Last evaluated: 2023-07-13. Review status: criteria provided, single submitter. Criteria: Invitae Variant Classification Sherloc (09022015). Collection method: clinical testing. Allele origin: germline.
Comment: Experimental studies have shown that this missense change affects POU1F1 function (PMID: 15928241). This sequence change replaces glutamic acid, which is acidic and polar, with lysine, which is basic and polar, at codon 230 of the POU1F1 protein (p.Glu230Lys). This variant is present in population databases (rs104893764, gnomAD 0.005%). This missense change has been observed in individuals with autosomal recessive combined pituitary hormone deficiency (PMID: 11924936, 15928241). It has also been observed to segregate with disease in related individuals. ClinVar contains an entry for this variant (Variation ID: 13613). Advanced modeling of protein sequence and biophysical properties (such as structural, functional, and spatial information, amino acid conservation, physicochemical variation, residue mobility, and thermodynamic stability) has been performed at Invitae for this missense variant, however the output from this modeling did not meet the statistical confidence thresholds required to predict the impact of this variant on POU1F1 protein function. For these reasons, this variant has been classified as Pathogenic.

Department of Genetics, Sultan Qaboos University Hospital
Classification: Pathogenic for Pituitary hormone deficiency, combined or isolated, 1. Last evaluated: 2022-06-30. Review status: criteria provided, single submitter. Criteria: ACMG Guidelines, 2015. Collection method: clinical testing. Allele origin: germline.

PreventionGenetics, part of Exact Sciences
Classification: Likely pathogenic for POU1F1-related condition. Last evaluated: 2024-09-27. Review status: no assertion criteria provided. Collection method: clinical testing. Allele origin: germline. Not counted in ClinVar's aggregate classification.
Comment: The POU1F1 c.688G>A variant is predicted to result in the amino acid substitution p.Glu230Lys. This variant has been reported in the homozygous and compound heterozygous states in multiple patients with POU1F1 related pituitary hormone deficiency, and functional studies support its pathogenicity (Gat-Yablonski et al. 2002. PubMed ID: 11924936; Turton et al. 2005. PubMed ID: 15928241). This variant is reported in 0.0044% of alleles in individuals of European (Non-Finnish) descent in gnomAD. This variant is interpreted as likely pathogenic.

OMIM
Classification: Pathogenic for PITUITARY HORMONE DEFICIENCY, COMBINED, 1. Last evaluated: 2005-08-01. Review status: no assertion criteria provided. Collection method: literature only. Allele origin: germline. Not counted in ClinVar's aggregate classification.

Literature cited by the submitters: PubMed 11924936 (cited by 3 submitters); PubMed 36344539 (cited by Women's Health and Genetics/Laboratory Corporation of America, LabCorp); PubMed 15928241 (cited by Labcorp Genetics (formerly Invitae), Labcorp and OMIM).

NM_000306.4(POU1F1):c.688G>A (p.Glu230Lys)

Gene: POU1F1 (POU class 1 homeobox 1; minus strand). Cytogenetic location: 3p11.2.
Variant type: single nucleotide variant.
Coding change: c.688G>A on transcript NM_000306.4 (MANE Select); coding-DNA position 688, G replaced by A.
Protein change: p.Glu230Lys; replaces glutamic acid 230 with lysine.
Molecular consequence: missense variant.
Genome position (GRCh38, 1-based): chr3:87,260,082, C>T on the plus strand (G>A on the coding strand, the complement: POU1F1 is on the minus strand). VCF-style: chr3-87260082-C-T. GRCh37 (hg19) VCF-style: chr3-87309232-C-T.
Other names: c.766G>A, p.Glu256Lys (NM_001122757.3); c.688G>A (NM_000306.2, NM_000306.3); short protein forms E230K, E256K.
Identifiers: ClinVar variation 13613 (VCV000013613.7), dbSNP rs104893764, ClinGen allele CA250624.
Genomic context (GRCh38, chr3:87,260,082, plus strand): 5'-CTTCAGCCATCCTCATGATCTCTTGAGAAGAAGGTTTATTCTGTTCTCCAAAGTGTCTCT[C>T]CAGAGCATCTTTAGCAGCAATGCTGGCGGGGGGTGGACATAGGGGGTGAAATTTTGTTGT-3'
Protein context (NP_000297.1, residues 220-240): TISIAAKDAL[Glu230Lys]RHFGEQNKPS